The following is an entry in ClinVar:

ClinVar aggregate classification (germline): Uncertain significance (1 of 4 stars; one submission).

Submission:

Labcorp Genetics (formerly Invitae), Labcorp
Classification: Uncertain significance. Last evaluated: 2021-03-07. Review status: criteria provided, single submitter. Criteria: Invitae Variant Classification Sherloc (09022015). Collection method: clinical testing. Allele origin: germline.
Comment: In summary, the available evidence is currently insufficient to determine the role of this variant in disease. Therefore, it has been classified as a Variant of Uncertain Significance. Nucleotide substitutions within the consensus splice site are a relatively common cause of aberrant splicing (PMID: 17576681, 9536098). Algorithms developed to predict the effect of sequence changes on RNA splicing suggest that this variant may disrupt the consensus splice site, but this prediction has not been confirmed by published transcriptional studies. This variant has not been reported in the literature in individuals with CTNNA1-related conditions. This variant is not present in population databases (ExAC no frequency). This sequence change falls in intron 5 of the CTNNA1 gene. It does not directly change the encoded amino acid sequence of the CTNNA1 protein. It affects a nucleotide within the consensus splice site of the intron.

Literature cited by the submitters: PubMed 17576681; PubMed 9536098.

NM_001903.5(CTNNA1):c.588+4C>G

Gene: CTNNA1 (catenin alpha 1; plus strand). Cytogenetic location: 5q31.2.
Variant type: single nucleotide variant.
Coding change: c.588+4C>G on transcript NM_001903.5 (MANE Select); 4 bases into the intron after coding-DNA position 588, C replaced by G.
Molecular consequence: intron variant.
Genome position (GRCh38, 1-based): chr5:138,812,306, C>G. VCF-style: chr5-138812306-C-G. GRCh37 (hg19) VCF-style: chr5-138147995-C-G.
Other names: c.588+4C>G (NM_001323982.2, NM_001323984.2, NM_001290307.3 and 3 more transcripts); c.219+4C>G (NM_001290310.3); c.279+4C>G (NM_001290309.3).
Identifiers: ClinVar variation 1476718 (VCV001476718.6), dbSNP rs757902181, ClinGen allele CA2573139116.